The following is an entry in ClinVar:

NM_002225.5(IVD):c.17G>A (p.Arg6Gln)

Gene: IVD (isovaleryl-CoA dehydrogenase; plus strand). Cytogenetic location: 15q15.1.
Variant type: single nucleotide variant.
Coding change: c.17G>A on transcript NM_002225.5 (MANE Select); coding-DNA position 17, G replaced by A.
Protein change: p.Arg6Gln; replaces arginine 6 with glutamine.
Molecular consequence: missense variant. On other transcripts: 5 prime UTR variant (1), non-coding transcript variant (1).
Genome position (GRCh38, 1-based): chr15:40,405,844, G>A. VCF-style: chr15-40405844-G-A. GRCh37 (hg19) VCF-style: chr15-40698045-G-A.
Other names: c.17G>A, p.Arg6Gln (NM_001159508.3, NM_001354598.3, NM_001354599.3 and 2 more transcripts); c.-411G>A (NM_001354597.3); short protein forms R6Q.
Identifiers: ClinVar variation 948558 (VCV000948558.8), dbSNP rs748160492, ClinGen allele CA7480467.

ClinVar aggregate classification (germline): Uncertain significance. Review status: criteria provided, multiple submitters, no conflicts (2 of 4 stars). 3 submissions from 3 submitters: Uncertain significance (2). 1 of the submissions does not count toward it. Last evaluated 2024-08-20.

Conditions:
Inborn genetic diseases. Identifiers: MedGen C0950123, MeSH D030342.
Isovaleryl-CoA dehydrogenase deficiency (IVA). Also called: Isovaleric acidemia; ISOVALERIC ACID CoA DEHYDROGENASE DEFICIENCY; Classic Isovaleric Acidemia; IVD DEFICIENCY. Identifiers: Orphanet 33, MedGen C0268575, MONDO:0009475, OMIM 243500.

gnomAD v4.1: 2 of 1,612,220 alleles (0.00012%); highest among the groups gnomAD compares: South Asian, 0.0011%; no homozygotes.

Submissions (3):

Ambry Genetics
Classification: Uncertain significance for Inborn genetic diseases. Last evaluated: 2024-08-20. Review status: criteria provided, single submitter. Criteria: Ambry Variant Classification Scheme 2023. Collection method: clinical testing. Allele origin: germline.

Labcorp Genetics (formerly Invitae), Labcorp
Classification: Uncertain significance for Isovaleryl-CoA dehydrogenase deficiency. Last evaluated: 2022-09-07. Review status: criteria provided, single submitter. Criteria: Invitae Variant Classification Sherloc (09022015). Collection method: clinical testing. Allele origin: germline.
Comment: This sequence change replaces arginine, which is basic and polar, with glutamine, which is neutral and polar, at codon 9 of the IVD protein (p.Arg9Gln). This variant is present in population databases (rs748160492, gnomAD 0.006%). This variant has not been reported in the literature in individuals affected with IVD-related conditions. ClinVar contains an entry for this variant (Variation ID: 948558). Algorithms developed to predict the effect of missense changes on protein structure and function (SIFT, PolyPhen-2, Align-GVGD) all suggest that this variant is likely to be tolerated. In summary, the available evidence is currently insufficient to determine the role of this variant in disease. Therefore, it has been classified as a Variant of Uncertain Significance.

Natera, Inc.
Classification: Uncertain significance for Isovaleryl-coa dehydrogenase deficiency. Last evaluated: 2021-02-22. Review status: no assertion criteria provided. Collection method: clinical testing. Allele origin: germline. Not counted in ClinVar's aggregate classification.